The following is an entry in ClinVar:

NM_013432.5(TONSL):c.880C>T (p.Arg294Trp)

Gene: TONSL (tonsoku like, DNA repair protein; minus strand). Cytogenetic location: 8q24.3.
Variant type: single nucleotide variant.
Coding change: c.880C>T on transcript NM_013432.5 (MANE Select); coding-DNA position 880, C replaced by T.
Protein change: p.Arg294Trp; replaces arginine 294 with tryptophan.
Molecular consequence: missense variant.
Genome position (GRCh38, 1-based): chr8:144,441,097, G>A on the plus strand (C>T on the coding strand, the complement: TONSL is on the minus strand). VCF-style: chr8-144441097-G-A. GRCh37 (hg19) VCF-style: chr8-145666480-G-A.
Other names: short protein forms R294W.
Identifiers: ClinVar variation 1385312 (VCV001385312.4), dbSNP rs946882247, ClinGen allele CA187675300.

ClinVar aggregate classification (germline): Uncertain significance (1 of 4 stars; one submission).

Allele frequency attached by ClinVar (database versions not stated): TOPMed below 0.00001; gnomAD 0.00001.
gnomAD v4.1: 18 of 1,612,780 alleles (0.0011%); highest among the groups gnomAD compares: East Asian, 0.0045%; no homozygotes.

Submission:

Labcorp Genetics (formerly Invitae), Labcorp
Classification: Uncertain significance. Last evaluated: 2025-04-07. Review status: criteria provided, single submitter. Criteria: Invitae Variant Classification Sherloc (09022015). Collection method: clinical testing. Allele origin: germline.
Comment: This sequence change replaces arginine, which is basic and polar, with tryptophan, which is neutral and slightly polar, at codon 294 of the TONSL protein (p.Arg294Trp). This variant is not present in population databases (gnomAD no frequency). This variant has not been reported in the literature in individuals affected with TONSL-related conditions. ClinVar contains an entry for this variant (Variation ID: 1385312). Invitae Evidence Modeling of protein sequence and biophysical properties (such as structural, functional, and spatial information, amino acid conservation, physicochemical variation, residue mobility, and thermodynamic stability) indicates that this missense variant is expected to disrupt TONSL protein function with a positive predictive value of 80%. In summary, the available evidence is currently insufficient to determine the role of this variant in disease. Therefore, it has been classified as a Variant of Uncertain Significance.